The following is an entry in ClinVar:

ClinVar aggregate classification (germline): Likely benign (1 of 4 stars; one submission).

Conditions:
LEPR-related disorder. Also called: LEPR-related disorders; LEPR-related condition.

Submission:

PreventionGenetics, part of Exact Sciences
Classification: Likely benign for LEPR-related condition. Last evaluated: 2025-02-05. Review status: criteria provided, single submitter. Criteria: ACMG Guidelines, 2015. Collection method: clinical testing. Allele origin: germline.
Comment: This variant is classified as likely benign based on ACMG/AMP sequence variant interpretation guidelines (Richards et al. 2015 PMID: 25741868, with internal and published modifications).

NM_002303.6(LEPR):c.2463A>G (p.Lys821=)

Gene: LEPR (leptin receptor; plus strand). Cytogenetic location: 1p31.3.
Variant type: single nucleotide variant.
Coding change: c.2463A>G on transcript NM_002303.6 (MANE Select); coding-DNA position 2463, A replaced by G.
Protein change: p.Lys821=; no amino-acid change (lysine 821 retained).
Molecular consequence: synonymous variant.
Genome position (GRCh38, 1-based): chr1:65,619,995, A>G. VCF-style: chr1-65619995-A-G. GRCh37 (hg19) VCF-style: chr1-66085678-A-G.
Other names: c.2463A>G, p.Lys821= (NM_001003679.3, NM_001003680.3, NM_001198687.2 and 2 more transcripts).
Identifiers: ClinVar variation 4988462 (VCV004988462.1).